The following is an entry in ClinVar:

NM_032043.3(BRIP1):c.2044T>C (p.Ser682Pro)

Gene: BRIP1 (BRCA1 interacting DNA helicase 1; minus strand). Cytogenetic location: 17q23.2.
Variant type: single nucleotide variant.
Coding change: c.2044T>C on transcript NM_032043.3 (MANE Select); coding-DNA position 2044, T replaced by C.
Protein change: p.Ser682Pro; replaces serine 682 with proline.
Molecular consequence: missense variant.
Genome position (GRCh38, 1-based): chr17:61,776,454, A>G on the plus strand (T>C on the coding strand, the complement: BRIP1 is on the minus strand). VCF-style: chr17-61776454-A-G. GRCh37 (hg19) VCF-style: chr17-59853815-A-G.
Other names: short protein forms S682P.
Identifiers: ClinVar variation 958676 (VCV000958676.11), dbSNP rs2077534218, ClinGen allele CA400478198.

ClinVar aggregate classification (germline): Uncertain significance. Review status: criteria provided, multiple submitters, no conflicts (2 of 4 stars). 2 submissions from 2 submitters: Uncertain significance (2). Last evaluated 2024-02-02.

Conditions:
Familial cancer of breast. Also called: Hereditary breast cancer; BREAST CANCER, FAMILIAL; hereditary breast carcinoma. Identifiers: Orphanet 227535, MedGen C0346153, MONDO:0016419, OMIM 114480. Disease mechanism: loss of function.
Fanconi anemia complementation group J. Also called: BRIP1-Related Fanconi Anemia. Identifiers: Orphanet 84, MedGen C1836860, MONDO:0012187, OMIM 609054.
Hereditary cancer-predisposing syndrome. Also called: Hereditary neoplastic syndrome; Tumor predisposition; Neoplastic Syndromes, Hereditary; Hereditary Cancer Syndrome. Identifiers: Orphanet 140162, MedGen C0027672, MeSH D009386, MONDO:0015356.

Submissions (2):

Ambry Genetics
Classification: Uncertain significance for Hereditary cancer-predisposing syndrome. Last evaluated: 2024-02-02. Review status: criteria provided, single submitter. Criteria: Ambry Variant Classification Scheme 2023. Collection method: clinical testing. Allele origin: germline.
Comment: The p.S682P variant (also known as c.2044T>C), located in coding exon 13 of the BRIP1 gene, results from a T to C substitution at nucleotide position 2044. The serine at codon 682 is replaced by proline, an amino acid with similar properties. This amino acid position is conserved. In addition, the in silico prediction for this alteration is inconclusive. Based on the available evidence, the clinical significance of this alteration remains unclear.

Labcorp Genetics (formerly Invitae), Labcorp
Classification: Uncertain significance for Familial cancer of breast; Fanconi anemia complementation group J. Last evaluated: 2022-02-08. Review status: criteria provided, single submitter. Criteria: Invitae Variant Classification Sherloc (09022015). Collection method: clinical testing. Allele origin: germline.
Comment: This sequence change replaces serine, which is neutral and polar, with proline, which is neutral and non-polar, at codon 682 of the BRIP1 protein (p.Ser682Pro). This variant is not present in population databases (gnomAD no frequency). This variant has not been reported in the literature in individuals affected with BRIP1-related conditions. ClinVar contains an entry for this variant (Variation ID: 958676). Algorithms developed to predict the effect of missense changes on protein structure and function are either unavailable or do not agree on the potential impact of this missense change (SIFT: "Tolerated"; PolyPhen-2: "Probably Damaging"; Align-GVGD: "Class C0"). In summary, the available evidence is currently insufficient to determine the role of this variant in disease. Therefore, it has been classified as a Variant of Uncertain Significance.